The following is an entry in ClinVar:

NM_177438.3(DICER1):c.5435T>C (p.Phe1812Ser)

Gene: DICER1 (dicer 1, ribonuclease III; minus strand). Cytogenetic location: 14q32.13.
Variant type: single nucleotide variant.
Coding change: c.5435T>C on transcript NM_177438.3 (MANE Select); coding-DNA position 5435, T replaced by C.
Protein change: p.Phe1812Ser; replaces phenylalanine 1812 with serine.
Molecular consequence: missense variant. On other transcripts: intron variant (1).
Genome position (GRCh38, 1-based): chr14:95,091,295, A>G on the plus strand (T>C on the coding strand, the complement: DICER1 is on the minus strand). VCF-style: chr14-95091295-A-G. GRCh37 (hg19) VCF-style: chr14-95557632-A-G.
Other names: c.5435T>C, p.Phe1812Ser (NM_001271282.3, NM_001291628.2, NM_030621.4); c.5365-186T>C (NM_001195573.1); short protein forms F1812S.
Identifiers: ClinVar variation 656074 (VCV000656074.10), dbSNP rs1595314854, ClinGen allele CA390864661.

ClinVar aggregate classification (germline): Uncertain significance (1 of 4 stars; one submission).

Conditions:
DICER1-related tumor predisposition. Also called: DICER1 syndrome; DICER1-related pleuropulmonary blastoma cancer predisposition syndrome. Identifiers: Orphanet 284343, MedGen C3839822, MONDO:0100216.

Submission:

Labcorp Genetics (formerly Invitae), Labcorp
Classification: Uncertain significance for DICER1-related tumor predisposition. Last evaluated: 2023-05-13. Review status: criteria provided, single submitter. Criteria: Invitae Variant Classification Sherloc (09022015). Collection method: clinical testing. Allele origin: germline.
Comment: This variant is not present in population databases (gnomAD no frequency). In summary, the available evidence is currently insufficient to determine the role of this variant in disease. Therefore, it has been classified as a Variant of Uncertain Significance. An algorithm developed to predict the effect of missense changes on protein structure and function (PolyPhen-2) suggests that this variant is likely to be disruptive. ClinVar contains an entry for this variant (Variation ID: 656074). This variant has not been reported in the literature in individuals affected with DICER1-related conditions. This sequence change replaces phenylalanine, which is neutral and non-polar, with serine, which is neutral and polar, at codon 1812 of the DICER1 protein (p.Phe1812Ser).